The following is an entry in ClinVar:

ClinVar aggregate classification (germline): Benign/Likely benign. Review status: criteria provided, multiple submitters, no conflicts (2 of 4 stars). 6 submissions from 6 submitters: Benign (3); Likely benign (3). Last evaluated 2026-01-13.

Conditions:
Idiopathic generalized epilepsy. Also called: EIG; Generalised epilepsy. Identifiers: MedGen C0270850, MONDO:0005579, OMIM 600669.
Hyperaldosteronism, familial, type IV (HALD4). Also called: FH IV; ALDOSTERONISM, PRIMARY, AND HYPERTENSION. Identifiers: Orphanet 642671, MedGen C4310756, MONDO:0014875, OMIM 617027.
CACNA1H-related disorder.
Epilepsy, childhood absence, susceptibility to, 6. Identifiers: Orphanet 64280, MedGen C2749872, MONDO:0012763, OMIM 611942.

Allele frequency attached by ClinVar (database versions not stated): gnomAD 0.00022 and 0.00045; TOPMed 0.00025; gnomAD exomes 0.00055 and 0.00175; 1000 Genomes Project 30x 0.00219; 1000 Genomes Project 0.00240; ExAC 0.00474.
gnomAD v4.1: 851 of 1,547,450 alleles (0.055%); highest among the groups gnomAD compares: South Asian, 0.9%; 8 homozygotes.

Submissions (6):

Labcorp Genetics (formerly Invitae), Labcorp
Classification: Benign for Idiopathic generalized epilepsy; Hyperaldosteronism, familial, type IV. Last evaluated: 2026-01-13. Review status: criteria provided, single submitter. Criteria: Invitae Variant Classification Sherloc (09022015). Collection method: clinical testing. Allele origin: germline.

PreventionGenetics, part of Exact Sciences
Classification: Benign for CACNA1H-related condition. Last evaluated: 2025-06-01. Review status: criteria provided, single submitter. Criteria: ACMG Guidelines, 2015. Collection method: clinical testing. Allele origin: germline.
Comment: This variant is classified as benign based on ACMG/AMP sequence variant interpretation guidelines (Richards et al. 2015 PMID: 25741868, with internal and published modifications).

Blueprint Genetics
Classification: Likely benign. Last evaluated: 2024-11-19. Review status: criteria provided, single submitter. Criteria: ACMG Guidelines, 2015. Collection method: clinical testing. Allele origin: germline.

Fulgent Genetics
Classification: Likely benign for Epilepsy, childhood absence, susceptibility to, 6; Hyperaldosteronism, familial, type IV. Last evaluated: 2021-07-31. Review status: criteria provided, single submitter. Criteria: ACMG Guidelines, 2015. Collection method: clinical testing. Allele origin: unknown.

Department of Pathology and Laboratory Medicine, Sinai Health System
Classification: Likely benign for hyperaldosteronism, familial, type IV. Last evaluated: 2021-07-30. Review status: criteria provided, single submitter. Criteria: ACMG Guidelines, 2015. Collection method: research. Allele origin: germline.

Athena Diagnostics
Classification: Benign. Last evaluated: 2019-10-23. Review status: criteria provided, single submitter. Criteria: Athena Diagnostics Criteria. Collection method: clinical testing. Allele origin: unknown.

Literature cited by the submitters: PubMed 15888660 (cited by Athena Diagnostics); PubMed 12891677 (cited by Athena Diagnostics); PubMed 21099341 (cited by Athena Diagnostics); PubMed 16529636 (cited by Athena Diagnostics); PubMed 28488083 (cited by Athena Diagnostics).

NM_021098.3(CACNA1H):c.1495G>A (p.Gly499Ser)

Gene: CACNA1H (calcium voltage-gated channel subunit alpha1 H; plus strand). Cytogenetic location: 16p13.3.
Variant type: single nucleotide variant.
Coding change: c.1495G>A on transcript NM_021098.3 (MANE Select); coding-DNA position 1495, G replaced by A.
Protein change: p.Gly499Ser; replaces glycine 499 with serine.
Molecular consequence: missense variant.
Genome position (GRCh38, 1-based): chr16:1,201,945, G>A. VCF-style: chr16-1201945-G-A. GRCh37 (hg19) VCF-style: chr16-1251945-G-A.
Other names: c.1495G>A, p.Gly499Ser (NM_001005407.2); short protein forms G499S.
Identifiers: ClinVar variation 995335 (VCV000995335.14), dbSNP rs560915333, ClinGen allele CA7799953.
Genomic context (GRCh38, chr16:1,201,945, plus strand): 5'-TACGCCCGCTGGCAGAGCCGCTGGCGCAAGAAGGTGGACCCCAGTGCTGTGCAAGGCCAG[G>A]GTCCCGGGCACCGCCAGCGCCGGGCAGGCAGGCACACAGCCTCGGTGCACCACCTGGTCT-3'
Protein context (NP_066921.2, residues 489-509): KVDPSAVQGQ[Gly499Ser]PGHRQRRAGR